The following is an entry in ClinVar:

ClinVar aggregate classification (germline): Likely benign. Review status: criteria provided, single submitter (1 of 4 stars). 2 submissions from 2 submitters: Likely benign (1). 1 of the submissions does not count toward it. Last evaluated 2023-10-22.

Conditions:
Zellweger spectrum disorders (ZS). Also called: Zellweger syndrome; Zellweger Spectrum Disorder; Zellweger Spectrum; Zellweger Spectrum Disorder (ZSD). Identifiers: Orphanet 912, MedGen C0043459, MONDO:0019609.
PEX1-related disorder. Also called: PEX1-related condition.

gnomAD v4.1: 4 of 1,595,088 alleles (0.00025%); highest among the groups gnomAD compares: East Asian, 0.0091%; no homozygotes.

Submissions (2):

Labcorp Genetics (formerly Invitae), Labcorp
Classification: Likely benign for Zellweger spectrum disorders. Last evaluated: 2023-10-22. Review status: criteria provided, single submitter. Criteria: Invitae Variant Classification Sherloc (09022015). Collection method: clinical testing. Allele origin: germline.

PreventionGenetics, part of Exact Sciences
Classification: Likely benign for PEX1-related condition. Last evaluated: 2023-09-05. Review status: no assertion criteria provided. Collection method: clinical testing. Allele origin: germline. Not counted in ClinVar's aggregate classification.
Comment: This variant is classified as likely benign based on ACMG/AMP sequence variant interpretation guidelines (Richards et al. 2015 PMID: 25741868, with internal and published modifications).

NM_000466.3(PEX1):c.39C>T (p.Gly13=)

Genes: PEX1 (peroxisomal biogenesis factor 1; minus strand), LOC129998796 (ATAC-STARR-seq lymphoblastoid silent region 18372; plus strand). Cytogenetic location: 7q21.2.
Variant type: single nucleotide variant.
Coding change: c.39C>T on transcript NM_000466.3 (MANE Select); coding-DNA position 39, C replaced by T.
Protein change: p.Gly13=; no amino-acid change (glycine 13 retained).
Molecular consequence: synonymous variant. On other transcripts: 5 prime UTR variant (1).
Genome position (GRCh38, 1-based): chr7:92,528,397, G>A on the plus strand (C>T on the coding strand, the complement: PEX1 is on the minus strand). VCF-style: chr7-92528397-G-A. GRCh37 (hg19) VCF-style: chr7-92157711-G-A.
Other names: c.39C>T, p.Gly13= (NM_001282677.2); c.-621C>T (NM_001282678.2); c.39C>T (NM_000466.2).
Identifiers: ClinVar variation 2712179 (VCV002712179.5), dbSNP rs746171089, ClinGen allele CA161981796.